The following is an entry in ClinVar:

ClinVar aggregate classification (germline): Uncertain significance (1 of 4 stars; one submission).

Conditions:
GNAS-related disorder. Identifiers: MedGen CN380105.

gnomAD v4.1: 26 of 1,559,778 alleles (0.0017%); highest among the groups gnomAD compares: South Asian, 0.025%; no homozygotes.

Submission:

PreventionGenetics, part of Exact Sciences
Classification: Uncertain significance for GNAS-related condition. Last evaluated: 2025-10-28. Review status: criteria provided, single submitter. Criteria: ACMG Guidelines, 2015. Collection method: clinical testing. Allele origin: germline.
Comment: The GNAS c.118G>A variant is predicted to result in the amino acid substitution p.Gly40Ser. Of note, in the more commonly reported transcript (NM_000516.5) this variant is pre-coding (c.-38344G>A). To our knowledge, this variant has not been reported in the literature. This variant is reported in 0.038% of alleles in individuals of South Asian descent in gnomAD. Although we suspect that this variant may be benign, at this time, the clinical significance is uncertain due to the absence of conclusive functional and genetic evidence.

NM_080425.4(GNAS):c.118G>A (p.Gly40Ser)

Gene: GNAS (GNAS complex locus; plus strand). Cytogenetic location: 20q13.32.
Variant type: single nucleotide variant.
Coding change: c.118G>A on transcript NM_080425.4 (MANE Plus Clinical); coding-DNA position 118, G replaced by A.
Protein change: p.Gly40Ser; replaces glycine 40 with serine.
Molecular consequence: missense variant. On other transcripts: intron variant (3), 5 prime UTR variant (2).
Genome position (GRCh38, 1-based): chr20:58,853,383, G>A. VCF-style: chr20-58853383-G-A. GRCh37 (hg19) VCF-style: chr20-57428438-G-A.
Other names: c.118G>A, p.Gly40Ser (NM_001410913.1); c.*42+12497G>A (NM_016592.5); c.43+12497G>A (NM_001410912.1); c.-39+11508G>A (NM_001309861.2); c.-70G>A (NM_001077490.3, NM_001309883.1); short protein forms G40S.
Identifiers: ClinVar variation 4986593 (VCV004986593.1).